The following is an entry in ClinVar:

NM_006237.4(POU4F1):c.539G>T (p.Gly180Val)

Genes: OBI1-AS1 (OBI1 antisense RNA 1; plus strand), POU4F1 (POU class 4 homeobox 1; minus strand). Cytogenetic location: 13q31.1.
Variant type: single nucleotide variant.
Coding change: c.539G>T on transcript NM_006237.4 (MANE Select); coding-DNA position 539, G replaced by T.
Protein change: p.Gly180Val; replaces glycine 180 with valine.
Molecular consequence: missense variant.
Genome position (GRCh38, 1-based): chr13:78,602,136, C>A on the plus strand (G>T on the coding strand, the complement: POU4F1 is on the minus strand). VCF-style: chr13-78602136-C-A. GRCh37 (hg19) VCF-style: chr13-79176271-C-A.
Other names: short protein forms G180V.
Identifiers: ClinVar variation 2643868 (VCV002643868.24), dbSNP rs1177958740, ClinGen allele CA388427106.

ClinVar aggregate classification (germline): Likely benign (1 of 4 stars; one submission).

Allele frequency attached by ClinVar (database versions not stated): gnomAD 0.00028; gnomAD exomes 0.00039.
gnomAD v4.1: 49 of 170,754 alleles (0.029%); highest among the groups gnomAD compares: Middle Eastern, 0.31%; 1 homozygote.

Submission:

CeGaT Center for Human Genetics Tuebingen
Classification: Likely benign. Last evaluated: 2026-06-01. Review status: criteria provided, single submitter. Criteria: CeGaT Center For Human Genetics Tuebingen Variant Classification Criteria Version 2. Collection method: clinical testing. Allele origin: germline. Affected: yes. Observed: 4 variant alleles.
Comment: POU4F1: BS1